The following is an entry in ClinVar:

NM_003611.3(OFD1):c.432A>G (p.Leu144=)

Gene: OFD1 (OFD1 centriole and centriolar satellite protein; plus strand). Cytogenetic location: Xp22.2.
Variant type: single nucleotide variant.
Coding change: c.432A>G on transcript NM_003611.3 (MANE Select); coding-DNA position 432, A replaced by G.
Protein change: p.Leu144=; no amino-acid change (leucine 144 retained).
Molecular consequence: synonymous variant.
Genome position (GRCh38, 1-based): chrX:13,744,434, A>G. VCF-style: chrX-13744434-A-G. GRCh37 (hg19) VCF-style: chrX-13762553-A-G.
Other names: c.432A>G, p.Leu144= (NM_001330209.2); c.12A>G, p.Leu4= (NM_001330210.2).
Identifiers: ClinVar variation 1595838 (VCV001595838.12), dbSNP rs759705433, ClinGen allele CA10351613.

ClinVar aggregate classification (germline): Benign/Likely benign. Review status: criteria provided, multiple submitters, no conflicts (2 of 4 stars). 4 submissions from 4 submitters: Benign (1); Likely benign (2). 1 of the submissions does not count toward it. Last evaluated 2025-09-01.

Conditions:
OFD1-related disorder. Also called: OFD1-related condition.
Joubert syndrome. Also called: Familial aplasia of the vermis; JOUBERT-BOLTSHAUSER SYNDROME. Identifiers: Orphanet 475, MedGen C5979921, MONDO:0018772.
Orofaciodigital syndrome I (OFD1). Also called: Oral-Facial-Digital Syndrome Type I; Papillon-Leage and Psaume Syndrome; OFDS I. Identifiers: Orphanet 2750, MedGen C1510460, MONDO:0010702, OMIM 311200.
Primary ciliary dyskinesia. Also called: Ciliary dyskinesia. Identifiers: Orphanet 244, MedGen C0008780, MONDO:0016575, HP:0012265.

Allele frequency attached by ClinVar (database versions not stated): gnomAD 0.00001; gnomAD exomes 0.00002 and 0.00006; ExAC 0.00008.
gnomAD v4.1: 21 of 1,180,388 alleles (0.0018%); highest among the groups gnomAD compares: South Asian, 0.032%; 1 homozygote.

Submissions (4):

Labcorp Genetics (formerly Invitae), Labcorp
Classification: Likely benign for Orofaciodigital syndrome I; Joubert syndrome. Last evaluated: 2025-09-01. Review status: criteria provided, single submitter. Criteria: Invitae Variant Classification Sherloc (09022015). Collection method: clinical testing. Allele origin: germline.

Blueprint Genetics
Classification: Likely benign. Last evaluated: 2024-11-13. Review status: criteria provided, single submitter. Criteria: ACMG Guidelines, 2015. Collection method: clinical testing. Allele origin: germline.

Ambry Genetics
Classification: Benign for Primary ciliary dyskinesia. Last evaluated: 2021-06-15. Review status: criteria provided, single submitter. Criteria: Ambry Variant Classification Scheme 2023. Collection method: clinical testing. Allele origin: germline.

PreventionGenetics, part of Exact Sciences
Classification: Likely benign for OFD1-related condition. Last evaluated: 2019-03-26. Review status: no assertion criteria provided. Collection method: clinical testing. Allele origin: germline. Not counted in ClinVar's aggregate classification.
Comment: This variant is classified as likely benign based on ACMG/AMP sequence variant interpretation guidelines (Richards et al. 2015 PMID: 25741868, with internal and published modifications).